The following is an entry in ClinVar:

NM_024301.5(FKRP):c.403G>A (p.Ala135Thr)

Gene: FKRP (fukutin related protein; plus strand). Cytogenetic location: 19q13.32.
Variant type: single nucleotide variant.
Coding change: c.403G>A on transcript NM_024301.5 (MANE Select); coding-DNA position 403, G replaced by A.
Protein change: p.Ala135Thr; replaces alanine 135 with threonine.
Molecular consequence: missense variant.
Genome position (GRCh38, 1-based): chr19:46,755,853, G>A. VCF-style: chr19-46755853-G-A. GRCh37 (hg19) VCF-style: chr19-47259110-G-A.
Other names: c.403G>A, p.Ala135Thr (NM_001039885.3); short protein forms A135T.
Identifiers: ClinVar variation 1938195 (VCV001938195.3), dbSNP rs748928675, ClinGen allele CA9532149.
Genomic context (GRCh38, chr19:46,755,853, plus strand): 5'-TCGCGCCCGGAGACCTACGTGGCCACCGAGTTTGTGGCCCTAGTACCTGATGGGGCGCGG[G>A]CTGAGGCACCTGGCCTGCTGGAGCGCATGGTGGAGGCGCTCCGCGCAGGAAGCGCACGTC-3'
Protein context (NP_077277.1, residues 125-145): FVALVPDGAR[Ala135Thr]EAPGLLERMV

ClinVar aggregate classification (germline): Uncertain significance (1 of 4 stars; one submission).

Conditions:
Walker-Warburg congenital muscular dystrophy. Also called: Muscular dystrophy-dystroglycanopathy, type A; Walker-Warburg syndrome. Identifiers: Orphanet 899, MedGen C0265221, MONDO:0000171.

Allele frequency attached by ClinVar (database versions not stated): gnomAD 0.00001; TOPMed 0.00001; ExAC 0.00027.
gnomAD v4.1: 6 of 1,490,960 alleles (0.0004%); highest among the groups gnomAD compares: East Asian, 0.015%; no homozygotes.

Submission:

Labcorp Genetics (formerly Invitae), Labcorp
Classification: Uncertain significance for Walker-Warburg congenital muscular dystrophy. Last evaluated: 2025-01-17. Review status: criteria provided, single submitter. Criteria: Invitae Variant Classification Sherloc (09022015). Collection method: clinical testing. Allele origin: germline.
Comment: This sequence change replaces alanine, which is neutral and non-polar, with threonine, which is neutral and polar, at codon 135 of the FKRP protein (p.Ala135Thr). This variant is present in population databases (rs748928675, gnomAD 0.06%). This variant has not been reported in the literature in individuals affected with FKRP-related conditions. ClinVar contains an entry for this variant (Variation ID: 1938195). Invitae Evidence Modeling of protein sequence and biophysical properties (such as structural, functional, and spatial information, amino acid conservation, physicochemical variation, residue mobility, and thermodynamic stability) has been performed for this missense variant. However, the output from this modeling did not meet the statistical confidence thresholds required to predict the impact of this variant on FKRP protein function. In summary, the available evidence is currently insufficient to determine the role of this variant in disease. Therefore, it has been classified as a Variant of Uncertain Significance.